The following is an entry in ClinVar:

NM_020778.4(ALPK3):c.357_408del52

Gene: ALPK3 (alpha kinase 3; plus strand). Cytogenetic location: 15q25.3.
Variant type: Deletion.
Coding change: c.357_408del52 on transcript NM_020778.4; coding-DNA positions 357 to 408, 52 bases deleted.
Genome position (GRCh38, 1-based): chr15:84,817,203-84,817,254, 52 bases deleted. GRCh37 (hg19): chr15:85,360,434-85,360,485.
Identifiers: ClinVar variation 5036662 (VCV005036662.1).

ClinVar aggregate classification (germline): Uncertain significance (1 of 4 stars; one submission).

Conditions:
Cardiovascular phenotype. Identifiers: MedGen CN230736.

Submission:

Ambry Genetics
Classification: Uncertain significance for Cardiovascular phenotype. Last evaluated: 2026-08-26. Review status: criteria provided, single submitter. Criteria: Ambry Variant Classification Scheme 2023. Collection method: clinical testing. Allele origin: germline.
Comment: The c.357_408del52 variant, located in coding exon 1 of the ALPK3 gene, results from a deletion of 52 nucleotides at nucleotide positions 357 to 408, causing a translational frameshift with a predicted alternate stop codon (p.G120Sfs*17). This variant is expected to result in loss of function by premature protein truncation or nonsense-mediated mRNA decay. However, based on data from gnomAD, several loss of function alterations in the first exon of ALPK3 (p.C64* and p.E148Qfs*8) are too frequent to cause disease given the incidence of pediatric cardiomyopathy. The abundance of nonsense and frameshift alleles in the first exon in population databases brings into question the pathogenicity of loss of function alterations in N-terminus of ALPK3 and suggests the possibility of an alternative start site. Based on the available evidence, the clinical significance of this variant remains unclear.